The following is an entry in ClinVar:

ClinVar aggregate classification (germline): Likely pathogenic (1 of 4 stars; one submission).

Conditions:
PNPT1-related disorder. Also called: PNPT1-related disorders; PNPT1-related condition.

Submission:

Women's Health and Genetics/Laboratory Corporation of America, LabCorp
Classification: Likely pathogenic for PNPT1-Related Disorders. Last evaluated: 2023-03-28. Review status: criteria provided, single submitter. Criteria: LabCorp Variant Classification Summary - May 2015. Collection method: clinical testing. Allele origin: germline.
Comment: Variant summary: PNPT1 c.1441+2T>A is located in a canonical splice-site and is predicted to affect mRNA splicing resulting in a significantly altered protein due to either exon skipping, shortening, or inclusion of intronic material. One in silico tool predicts the variant has a probably damaging effect on splicing. However, these predictions have yet to be confirmed by functional studies. The variant was absent in 248688 control chromosomes (gnomAD). c.1441+2T>A has been reported in the literature in at least one heterozygous patient displaying phenotypic overlap with PNPT1-Related Disorders, however, without strong evidence for causality (Blake_2021). This report does not provide unequivocal conclusions about association of the variant with PNPT1-Related Disorders. To our knowledge, no experimental evidence demonstrating an impact on protein function has been reported. No clinical diagnostic laboratories have submitted clinical-significance assessments for this variant to ClinVar after 2014. Based on the evidence outlined above, the variant was classified as likely pathogenic.

NM_033109.5(PNPT1):c.1441+2T>A

Gene: PNPT1 (polyribonucleotide nucleotidyltransferase 1; minus strand). Cytogenetic location: 2p16.1.
Variant type: single nucleotide variant.
Coding change: c.1441+2T>A on transcript NM_033109.5 (MANE Select); the canonical splice donor site of the intron after coding-DNA position 1441, T replaced by A.
Molecular consequence: splice donor variant.
Genome position (GRCh38, 1-based): chr2:55,656,129, A>T on the plus strand (T>A on the coding strand, the complement: PNPT1 is on the minus strand). VCF-style: chr2-55656129-A-T. GRCh37 (hg19) VCF-style: chr2-55883264-A-T.
Identifiers: ClinVar variation 2501273 (VCV002501273.1), dbSNP rs2529522692, ClinGen allele CA346926935.